The following is an entry in ClinVar:

NM_000260.4(MYO7A):c.3387G>C (p.Arg1129Ser)

Gene: MYO7A (myosin VIIA; plus strand). Cytogenetic location: 11q13.5.
Variant type: single nucleotide variant.
Coding change: c.3387G>C on transcript NM_000260.4 (MANE Select); coding-DNA position 3387, G replaced by C.
Protein change: p.Arg1129Ser; replaces arginine 1129 with serine.
Molecular consequence: missense variant.
Genome position (GRCh38, 1-based): chr11:77,184,599, G>C. VCF-style: chr11-77184599-G-C. GRCh37 (hg19) VCF-style: chr11-76895644-G-C.
Other names: c.3387G>C, p.Arg1129Ser (NM_001127180.2); c.3354G>C, p.Arg1118Ser (NM_001369365.1); short protein forms R1129S, R1118S.
Identifiers: ClinVar variation 3634264 (VCV003634264.2).

ClinVar aggregate classification (germline): Uncertain significance (1 of 4 stars; one submission).

gnomAD v4.1: 1 of 1,565,182 alleles (0.000064%); highest among the groups gnomAD compares: African/African-American, 0.0014%; no homozygotes.

Submission:

Labcorp Genetics (formerly Invitae), Labcorp
Classification: Uncertain significance. Last evaluated: 2024-10-05. Review status: criteria provided, single submitter. Criteria: Invitae Variant Classification Sherloc (09022015). Collection method: clinical testing. Allele origin: germline.
Comment: This sequence change replaces arginine, which is basic and polar, with serine, which is neutral and polar, at codon 1129 of the MYO7A protein (p.Arg1129Ser). This variant is not present in population databases (gnomAD no frequency). This variant has not been reported in the literature in individuals affected with MYO7A-related conditions. Invitae Evidence Modeling of protein sequence and biophysical properties (such as structural, functional, and spatial information, amino acid conservation, physicochemical variation, residue mobility, and thermodynamic stability) has been performed for this missense variant. However, the output from this modeling did not meet the statistical confidence thresholds required to predict the impact of this variant on MYO7A protein function. In summary, the available evidence is currently insufficient to determine the role of this variant in disease. Therefore, it has been classified as a Variant of Uncertain Significance.